The following is an entry in ClinVar:

ClinVar aggregate classification (germline): Uncertain significance (1 of 4 stars; one submission).

Conditions:
Inborn genetic diseases. Identifiers: MedGen C0950123, MeSH D030342.

Submission:

Ambry Genetics
Classification: Uncertain significance for Inborn genetic diseases. Last evaluated: 2025-09-27. Review status: criteria provided, single submitter. Criteria: Ambry Variant Classification Scheme 2023. Collection method: clinical testing. Allele origin: germline.
Comment: The p.C296S variant (also known as c.887G>C), located in coding exon 6 of the MECOM gene, results from a G to C substitution at nucleotide position 887. The cysteine at codon 296 is replaced by serine, an amino acid with dissimilar properties. This amino acid position is conserved. In addition, this alteration is predicted to be deleterious by in silico analysis. Based on the available evidence, the clinical significance of this variant remains unclear.

NM_004991.4(MECOM):c.887G>C (p.Cys296Ser)

Gene: MECOM (MDS1 and EVI1 complex locus; minus strand). Cytogenetic location: 3q26.2.
Variant type: single nucleotide variant.
Coding change: c.887G>C on transcript NM_004991.4 (MANE Select); coding-DNA position 887, G replaced by C.
Protein change: p.Cys296Ser; replaces cysteine 296 with serine.
Molecular consequence: missense variant.
Genome position (GRCh38, 1-based): chr3:169,122,671, C>G on the plus strand (G>C on the coding strand, the complement: MECOM is on the minus strand). VCF-style: chr3-169122671-C-G. GRCh37 (hg19) VCF-style: chr3-168840459-C-G.
Other names: c.515G>C, p.Cys172Ser (NM_001105077.4); c.323G>C, p.Cys108Ser (NM_001105078.4, NM_001163999.2, NM_001164000.2 and 9 more transcripts); c.887G>C, p.Cys296Ser (NM_001366466.2, NM_001366473.2); short protein forms C172S, C108S, C296S.
Identifiers: ClinVar variation 4624608 (VCV004624608.1).